The following is an entry in ClinVar:

ClinVar aggregate classification (germline): Uncertain significance (1 of 4 stars; one submission).

Conditions:
Primary ciliary dyskinesia. Also called: Ciliary dyskinesia. Identifiers: Orphanet 244, MedGen C0008780, MONDO:0016575, HP:0012265.

Allele frequency attached by ClinVar (database versions not stated): gnomAD exomes below 0.00001; ExAC 0.00001.
gnomAD v4.1: 2 of 1,614,000 alleles (0.00012%); highest among the groups gnomAD compares: South Asian, 0.0022%; no homozygotes.

Submission:

Ambry Genetics
Classification: Uncertain significance for Primary ciliary dyskinesia. Last evaluated: 2020-03-20. Review status: criteria provided, single submitter. Criteria: Ambry Variant Classification Scheme 2023. Collection method: clinical testing. Allele origin: germline.
Comment: The p.I2402T variant (also known as c.7205T>C), located in coding exon 43 of the DNAH5 gene, results from a T to C substitution at nucleotide position 7205. The isoleucine at codon 2402 is replaced by threonine, an amino acid with similar properties. This amino acid position is poorly conserved in available vertebrate species. In addition, this alteration is predicted to be tolerated by in silico analysis. Since supporting evidence is limited at this time, the clinical significance of this alteration remains unclear.

NM_001369.3(DNAH5):c.7205T>C (p.Ile2402Thr)

Gene: DNAH5 (dynein axonemal heavy chain 5; minus strand). Cytogenetic location: 5p15.2.
Variant type: single nucleotide variant.
Coding change: c.7205T>C on transcript NM_001369.3 (MANE Select); coding-DNA position 7205, T replaced by C.
Protein change: p.Ile2402Thr; replaces isoleucine 2402 with threonine.
Molecular consequence: missense variant.
Genome position (GRCh38, 1-based): chr5:13,814,630, A>G on the plus strand (T>C on the coding strand, the complement: DNAH5 is on the minus strand). VCF-style: chr5-13814630-A-G. GRCh37 (hg19) VCF-style: chr5-13814739-A-G.
Other names: short protein forms I2402T.
Identifiers: ClinVar variation 1757686 (VCV001757686.2), dbSNP rs774934452, ClinGen allele CA3203159.